The following is an entry in ClinVar:

NM_000535.7(PMS2):c.2474G>A (p.Ser825Asn)

Gene: PMS2 (PMS1 homolog 2, mismatch repair system component; minus strand). Cytogenetic location: 7p22.1.
Variant type: single nucleotide variant.
Coding change: c.2474G>A on transcript NM_000535.7 (MANE Select); coding-DNA position 2474, G replaced by A.
Protein change: p.Ser825Asn; replaces serine 825 with asparagine.
Molecular consequence: missense variant. On other transcripts: non-coding transcript variant (1).
Genome position (GRCh38, 1-based): chr7:5,973,514, C>T on the plus strand (G>A on the coding strand, the complement: PMS2 is on the minus strand). VCF-style: chr7-5973514-C-T. GRCh37 (hg19) VCF-style: chr7-6013145-C-T.
Other names: c.2069G>A, p.Ser690Asn (NM_001322003.2, NM_001322004.2, NM_001322005.2); c.2318G>A, p.Ser773Asn (NM_001322006.2); c.2156G>A, p.Ser719Asn (NM_001322007.2, NM_001322008.2); c.2102G>A, p.Ser701Asn (NM_001322009.2); c.1913G>A, p.Ser638Asn (NM_001322010.2); c.1541G>A, p.Ser514Asn (NM_001322011.2, NM_001322012.2); c.1901G>A, p.Ser634Asn (NM_001322013.2); c.2507G>A, p.Ser836Asn (NM_001322014.2); and 1 more; short protein forms S825N, S690N, S634N, S722N, S514N, S638N, S701N, S719N.
Identifiers: ClinVar variation 581231 (VCV000581231.11), dbSNP rs1562594318, ClinGen allele CA366734985.

ClinVar aggregate classification (germline): Uncertain significance. Review status: criteria provided, multiple submitters, no conflicts (2 of 4 stars). 2 submissions from 2 submitters: Uncertain significance (2). Last evaluated 2022-02-20.

Conditions:
Hereditary cancer-predisposing syndrome. Also called: Neoplastic Syndromes, Hereditary; Tumor predisposition; Hereditary neoplastic syndrome; Hereditary Cancer Syndrome. Identifiers: Orphanet 140162, MedGen C0027672, MeSH D009386, MONDO:0015356.
Hereditary nonpolyposis colorectal neoplasms. Identifiers: MedGen C0009405, MeSH D003123.

Submissions (2):

Labcorp Genetics (formerly Invitae), Labcorp
Classification: Uncertain significance for Hereditary nonpolyposis colorectal neoplasms. Last evaluated: 2022-02-20. Review status: criteria provided, single submitter. Criteria: Invitae Variant Classification Sherloc (09022015). Collection method: clinical testing. Allele origin: germline.
Comment: In summary, the available evidence is currently insufficient to determine the role of this variant in disease. Therefore, it has been classified as a Variant of Uncertain Significance. Advanced modeling of protein sequence and biophysical properties (such as structural, functional, and spatial information, amino acid conservation, physicochemical variation, residue mobility, and thermodynamic stability) performed at Invitae indicates that this missense variant is not expected to disrupt PMS2 protein function. ClinVar contains an entry for this variant (Variation ID: 581231). This variant has not been reported in the literature in individuals affected with PMS2-related conditions. The frequency data for this variant in the population databases (gnomAD) is considered unreliable due to the presence of homologous sequence, such as pseudogenes or paralogs, in the genome. This sequence change replaces serine, which is neutral and polar, with asparagine, which is neutral and polar, at codon 825 of the PMS2 protein (p.Ser825Asn).

Ambry Genetics
Classification: Uncertain significance for Hereditary cancer-predisposing syndrome. Last evaluated: 2020-10-21. Review status: criteria provided, single submitter. Criteria: Ambry Variant Classification Scheme 2023. Collection method: clinical testing. Allele origin: germline.
Comment: The p.S825N variant (also known as c.2474G>A), located in coding exon 15 of the PMS2 gene, results from a G to A substitution at nucleotide position 2474. The serine at codon 825 is replaced by asparagine, an amino acid with highly similar properties. This amino acid position is poorly conserved in available vertebrate species. In addition, this alteration is predicted to be tolerated by in silico analysis. Since supporting evidence is limited at this time, the clinical significance of this alteration remains unclear.